The following is an entry in ClinVar:

NM_007294.4(BRCA1):c.415del (p.Gln139fs)

Gene: BRCA1 (BRCA1 DNA repair associated; minus strand). Cytogenetic location: 17q21.31.
Variant type: Deletion.
Coding change: c.415del on transcript NM_007294.4 (MANE Select); coding-DNA position 415, one base deleted (C; older notation c.415delC).
Protein change: p.Gln139fs; shifts the reading frame from glutamine 139.
Molecular consequence: frameshift variant. On other transcripts: non-coding transcript variant (1).
Genome position (GRCh38, 1-based): chr17:43,104,148, G deleted on the plus strand (C on the coding strand, the reverse complement: BRCA1 is on the minus strand). VCF-style (leftmost placement, unchanged base first): chr17-43104147-TG-T. GRCh37 (hg19) VCF-style: chr17-41256164-TG-T.
Other names: c.205delC, p.Gln69Argfs (NM_001407571.1, NM_001407853.1, NM_001407879.1 and 58 more transcripts); c.415delC, p.Gln139Argfs (NM_001407581.1, NM_001407582.1, NM_001407583.1 and 163 more transcripts); c.406delC, p.Gln136Argfs (NM_001407646.1, NM_001407647.1, NM_001408408.1); c.337delC, p.Gln113Argfs (NM_001407653.1, NM_001407654.1, NM_001407655.1 and 21 more transcripts); c.274delC, p.Gln92Argfs (NM_001407692.1, NM_001407694.1, NM_001407695.1 and 98 more transcripts); c.34delC, p.Gln12Argfs (NM_001407959.1, NM_001407960.1, NM_001407962.1 and 4 more transcripts); c.283delC, p.Gln95Argfs (NM_001408451.1); c.274del, p.Gln92fs (NM_007297.4); and 1 more; short protein forms Q139fs, Q92fs.
Identifiers: ClinVar variation 491068 (VCV000491068.6), dbSNP rs1555596315, ClinGen allele CA658684044.

ClinVar aggregate classification (germline): Pathogenic. Review status: criteria provided, multiple submitters, no conflicts (2 of 4 stars). 2 submissions from 2 submitters: Pathogenic (2). Last evaluated 2026-03-06.

Conditions:
Hereditary cancer-predisposing syndrome. Also called: Hereditary Cancer Syndrome; Neoplastic Syndromes, Hereditary; Tumor predisposition; Hereditary neoplastic syndrome. Identifiers: Orphanet 140162, MedGen C0027672, MeSH D009386, MONDO:0015356.

Submissions (2):

Ambry Genetics
Classification: Pathogenic for Hereditary cancer-predisposing syndrome. Last evaluated: 2026-03-06. Review status: criteria provided, single submitter. Criteria: Ambry Variant Classification Scheme 2023. Collection method: clinical testing. Allele origin: germline.
Comment: The c.415delC pathogenic mutation, located in coding exon 5 of the BRCA1 gene, results from a deletion of one nucleotide at nucleotide position 415, causing a translational frameshift with a predicted alternate stop codon (p.Q139Rfs*24). This variant is considered to be rare based on population cohorts in the Genome Aggregation Database (gnomAD). This alteration is expected to result in loss of function by premature protein truncation or nonsense-mediated mRNA decay. As such, this alteration is interpreted as a disease-causing mutation.

Color Diagnostics, LLC DBA Color Health
Classification: Pathogenic for Hereditary cancer-predisposing syndrome. Last evaluated: 2020-05-01. Review status: criteria provided, single submitter. Criteria: ACMG Guidelines, 2015. Collection method: clinical testing. Allele origin: germline.
Comment: This variant deletes 1 nucleotide in exon 6 of the BRCA1 gene, creating a frameshift and premature translation stop signal. This variant is expected to result in an absent or non-functional protein product. To our knowledge, this variant has not been reported in individuals affected with hereditary cancer in the literature. This variant has not been identified in the general population by the Genome Aggregation Database (gnomAD). Loss of BRCA1 function is a known mechanism of disease. Based on the available evidence, this variant is classified as Pathogenic.